The following is an entry in ClinVar:

ClinVar aggregate classification (germline): Benign (1 of 4 stars; one submission).

Conditions:
Melanoma-pancreatic cancer syndrome. Identifiers: Orphanet 404560, MedGen C1838547, MONDO:0011713, OMIM 606719. Disease mechanism: loss of function.

gnomAD v4.1: 1 of 1,613,896 alleles (0.000062%); highest among the groups gnomAD compares: Non-Finnish European, 0.000085%; no homozygotes.

Submission:

Myriad Genetics, Inc.
Classification: Benign for Melanoma-pancreatic cancer syndrome. Last evaluated: 2025-08-20. Review status: criteria provided, single submitter. Criteria: Myriad Autosomal Dominant, Autosomal Recessive and X-Linked Classification Criteria (2023). Collection method: clinical testing. Allele origin: unknown.
Comment: This variant is considered benign. This variant occurs in the non-coding 3' untranslated region of the gene, and is not expected to impact protein function.

NM_000077.5(CDKN2A):c.*6C>A

Gene: CDKN2A (cyclin dependent kinase inhibitor 2A; minus strand). Cytogenetic location: 9p21.3.
Variant type: single nucleotide variant.
Coding change: c.*6C>A on transcript NM_000077.5; 6 bases downstream of the stop codon, C replaced by A.
Molecular consequence: 3 prime UTR variant (on NM_001195132.2).
Genome position (GRCh38, 1-based): chr9:21,968,223, G>T on the plus strand (C>A on the coding strand, the complement: CDKN2A is on the minus strand). VCF-style: chr9-21968223-G-T. GRCh37 (hg19) VCF-style: chr9-21968222-G-T.
Other names: c.*6C>A (NM_000077.6, NM_001363763.2); c.*170C>A (NM_001195132.2); c.*121C>A (NM_058195.4); c.*400C>A (NM_058197.5).
Identifiers: ClinVar variation 4294189 (VCV004294189.1).
Genomic context (GRCh38, chr9:21,968,223, plus strand): 5'-CCTGTAGGACCTTCGGTGACTGATGATCTAAGTTTCCCGAGGTTTCTCAGAGCCTCTCTG[G>T]TTCTTTCAATCGGGGATGTCTGCAGAGGGCAGAAAGAAAACAGGCGTTAGAAACCTGAGG-3'